The following is an entry in ClinVar:

ClinVar aggregate classification (germline): Uncertain significance (1 of 4 stars; one submission).

Allele frequency attached by ClinVar (database versions not stated): gnomAD exomes below 0.00001; TOPMed below 0.00001.

Submission:

Labcorp Genetics (formerly Invitae), Labcorp
Classification: Uncertain significance. Last evaluated: 2023-08-10. Review status: criteria provided, single submitter. Criteria: Invitae Variant Classification Sherloc (09022015). Collection method: clinical testing. Allele origin: germline.
Comment: In summary, the available evidence is currently insufficient to determine the role of this variant in disease. Therefore, it has been classified as a Variant of Uncertain Significance. An algorithm developed to predict the effect of missense changes on protein structure and function (PolyPhen-2) suggests that this variant is likely to be disruptive. This variant has not been reported in the literature in individuals affected with DIAPH3-related conditions. This variant is not present in population databases (gnomAD no frequency). This sequence change replaces alanine, which is neutral and non-polar, with valine, which is neutral and non-polar, at codon 340 of the DIAPH3 protein (p.Ala340Val).

NM_001042517.2(DIAPH3):c.1019C>T (p.Ala340Val)

Gene: DIAPH3 (diaphanous related formin 3; minus strand). Cytogenetic location: 13q21.2.
Variant type: single nucleotide variant.
Coding change: c.1019C>T on transcript NM_001042517.2 (MANE Select); coding-DNA position 1019, C replaced by T.
Protein change: p.Ala340Val; replaces alanine 340 with valine.
Molecular consequence: missense variant.
Genome position (GRCh38, 1-based): chr13:59,992,579, G>A on the plus strand (C>T on the coding strand, the complement: DIAPH3 is on the minus strand). VCF-style: chr13-59992579-G-A. GRCh37 (hg19) VCF-style: chr13-60566713-G-A.
Other names: c.986C>T, p.Ala329Val (NM_001258366.2); c.881C>T, p.Ala294Val (NM_001258367.2); c.809C>T, p.Ala270Val (NM_001258368.2); c.1019C>T, p.Ala340Val (NM_001258369.2); c.230C>T, p.Ala77Val (NM_001258370.2, NM_030932.4); short protein forms A294V, A329V, A77V, A340V, A270V.
Identifiers: ClinVar variation 2897419 (VCV002897419.3), dbSNP rs2051900359, ClinGen allele CA388334554.